The following is an entry in ClinVar:

NM_001017420.3(ESCO2):c.1279C>T (p.Arg427Cys)

Gene: ESCO2 (establishment of sister chromatid cohesion N-acetyltransferase 2; plus strand). Cytogenetic location: 8p21.1.
Variant type: single nucleotide variant.
Coding change: c.1279C>T on transcript NM_001017420.3 (MANE Select); coding-DNA position 1279, C replaced by T.
Protein change: p.Arg427Cys; replaces arginine 427 with cysteine.
Molecular consequence: missense variant.
Genome position (GRCh38, 1-based): chr8:27,791,978, C>T. VCF-style: chr8-27791978-C-T. GRCh37 (hg19) VCF-style: chr8-27649495-C-T.
Other names: c.1279C>T (NM_001017420.2); short protein forms R427C.
Identifiers: ClinVar variation 2141384 (VCV002141384.3), dbSNP rs200548692, ClinGen allele CA4692279.

ClinVar aggregate classification (germline): Uncertain significance. Review status: criteria provided, multiple submitters, no conflicts (2 of 4 stars). 2 submissions from 2 submitters: Uncertain significance (2). Last evaluated 2025-12-15.

Conditions:
Inborn genetic diseases. Identifiers: MedGen C0950123, MeSH D030342.

Allele frequency attached by ClinVar (database versions not stated): gnomAD 0.00004; ExAC 0.00005.
gnomAD v4.1: 63 of 1,613,650 alleles (0.0039%); highest among the groups gnomAD compares: Non-Finnish European, 0.0049%; no homozygotes.

Submissions (2):

Ambry Genetics
Classification: Uncertain significance for Inborn genetic diseases. Last evaluated: 2025-12-15. Review status: criteria provided, single submitter. Criteria: Ambry Variant Classification Scheme 2023. Collection method: clinical testing. Allele origin: germline.

Labcorp Genetics (formerly Invitae), Labcorp
Classification: Uncertain significance. Last evaluated: 2022-10-17. Review status: criteria provided, single submitter. Criteria: Invitae Variant Classification Sherloc (09022015). Collection method: clinical testing. Allele origin: germline.
Comment: This sequence change replaces arginine, which is basic and polar, with cysteine, which is neutral and slightly polar, at codon 427 of the ESCO2 protein (p.Arg427Cys). This variant is present in population databases (rs200548692, gnomAD 0.007%). This variant has not been reported in the literature in individuals affected with ESCO2-related conditions. Algorithms developed to predict the effect of missense changes on protein structure and function are either unavailable or do not agree on the potential impact of this missense change (SIFT: "Deleterious"; PolyPhen-2: "Probably Damaging"; Align-GVGD: "Class C0"). In summary, the available evidence is currently insufficient to determine the role of this variant in disease. Therefore, it has been classified as a Variant of Uncertain Significance.